The following is an entry in ClinVar:

ClinVar aggregate classification (germline): Conflicting classifications of pathogenicity. Review status: criteria provided, conflicting classifications (1 of 4 stars). 3 submissions from 3 submitters: Uncertain significance (1); Likely benign (2). Last evaluated 2025-06-10.

Allele frequency attached by ClinVar (database versions not stated): ESP Exome Variant Server 0.00008; TOPMed 0.00013; ExAC 0.00014; gnomAD exomes 0.00018; gnomAD 0.00021 and 0.00023.
gnomAD v4.1: 271 of 1,612,574 alleles (0.017%); highest among the groups gnomAD compares: Non-Finnish European, 0.015%; no homozygotes.

Submissions (3):

Labcorp Genetics (formerly Invitae), Labcorp
Classification: Likely benign. Last evaluated: 2025-06-10. Review status: criteria provided, single submitter. Criteria: Invitae Variant Classification Sherloc (09022015). Collection method: clinical testing. Allele origin: germline.

Blueprint Genetics
Classification: Likely benign. Last evaluated: 2024-08-26. Review status: criteria provided, single submitter. Criteria: ACMG Guidelines, 2015. Collection method: clinical testing. Allele origin: germline.

GeneDx
Classification: Uncertain significance. Last evaluated: 2023-06-04. Review status: criteria provided, single submitter. Criteria: GeneDx Variant Classification Process June 2021. Collection method: clinical testing. Allele origin: germline. Affected: yes.
Comment: In silico analysis supports that this missense variant has a deleterious effect on protein structure/function; Has not been previously published as pathogenic or benign to our knowledge

NM_001378452.1(ITPR1):c.5365G>A (p.Gly1789Arg)

Gene: ITPR1 (inositol 1,4,5-trisphosphate receptor type 1; plus strand). Cytogenetic location: 3p26.1.
Variant type: single nucleotide variant.
Coding change: c.5365G>A on transcript NM_001378452.1 (MANE Select); coding-DNA position 5365, G replaced by A.
Protein change: p.Gly1789Arg; replaces glycine 1789 with arginine.
Molecular consequence: missense variant.
Genome position (GRCh38, 1-based): chr3:4,735,175, G>A. VCF-style: chr3-4735175-G-A. GRCh37 (hg19) VCF-style: chr3-4776859-G-A.
Other names: c.5221G>A, p.Gly1741Arg (NM_001099952.4); c.5320G>A, p.Gly1774Arg (NM_001168272.2); c.5176G>A, p.Gly1726Arg (NM_002222.7); short protein forms G1726R, G1741R, G1774R, G1789R.
Identifiers: ClinVar variation 1331211 (VCV001331211.8), dbSNP rs373359869, ClinGen allele CA2232325.